The following is an entry in ClinVar:

ClinVar aggregate classification (germline): Likely pathogenic (1 of 4 stars; one submission).

Conditions:
Glucocorticoid deficiency with achalasia (AAAS). Also called: AAA syndrome; Allgrove syndrome; Addisonian achalasia syndrome; ALACRIMA-ACHALASIA-ADRENAL INSUFFICIENCY NEUROLOGIC DISORDER; Achalasia-Addisonianism-Alacrima (Triple-A) Syndrome; Achalasia-addisonianism-alacrimia syndrome. Identifiers: Orphanet 869, MedGen C0271742, MONDO:0009279, OMIM 231550.

Submission:

Diagnostics Services (NGS), CSIR - Centre For Cellular And Molecular Biology
Classification: Likely pathogenic for Glucocorticoid deficiency with achalasia. Last evaluated: 2024-03-01. Review status: criteria provided, single submitter. Criteria: ACMG Guidelines, 2015. Collection method: clinical testing. Allele origin: germline. Affected: yes. Observed: 1 variant allele, 1 homozygote.
Comment: The c.281del variant is not present in publicly available population databases like 1000 Genomes, EVS, ExAC, Indian Exome Database or our in-house exome database. This variant has neither been published in literature with AAAS-related conditions nor reported to the clinical databases like ClinVar, Human Gene Mutation Database (HGMD) or OMIM, in any affected individuals. In-silico pathogenicity prediction programs like MutationTaster2, CADD, Varsome, Franklin, etc predicted this variant to be likely deleterious. This variant causes frameshift at the 94th amino acid position of the wild-type transcript which creates a premature translational stop signal at the altered transcript that may either result in translation of a truncated protein or causes nonsense mediated decay of the mRNA.

NM_015665.6(AAAS):c.281del (p.Asn94fs)

Gene: AAAS (aladin WD repeat nucleoporin; minus strand). Cytogenetic location: 12q13.13.
Variant type: Deletion.
Coding change: c.281del on transcript NM_015665.6 (MANE Select); coding-DNA position 281, one base deleted (A; older notation c.281delA).
Protein change: p.Asn94fs; shifts the reading frame from asparagine 94.
Molecular consequence: frameshift variant.
Genome position (GRCh38, 1-based): chr12:53,315,753, T deleted on the plus strand (A on the coding strand, the reverse complement: AAAS is on the minus strand); the first of 3 consecutive T bases (chr12:53,315,753-53,315,755); deleting any one gives the same sequence. VCF-style (leftmost placement, unchanged base first): chr12-53315752-AT-A. GRCh37 (hg19) VCF-style: chr12-53709536-AT-A.
Other names: c.281del, p.Asn94fs (NM_001173466.2); short protein forms N94fs.
Identifiers: ClinVar variation 3251997 (VCV003251997.1), dbSNP rs2498627975.